The following is an entry in ClinVar:

ClinVar aggregate classification (germline): Uncertain significance. Review status: criteria provided, multiple submitters, no conflicts (2 of 4 stars). 3 submissions from 3 submitters: Uncertain significance (3). Last evaluated 2025-08-25.

Conditions:
Leukoencephalopathy-thalamus and brainstem anomalies-high lactate syndrome. Also called: LEUKOENCEPHALOPATHY WITH THALAMUS AND BRAINSTEM INVOLVEMENT AND HIGH LACTATE; Combined oxidative phosphorylation deficiency 12. Identifiers: Orphanet 314051, MedGen C4706421, MONDO:0013971, OMIM 614924.

Allele frequency attached by ClinVar (database versions not stated): gnomAD 0.00001.
gnomAD v4.1: 4 of 1,614,072 alleles (0.00025%); highest among the groups gnomAD compares: Non-Finnish European, 0.00034%; no homozygotes.

Submissions (3):

Daryl Scott Lab, Baylor College of Medicine
Classification: Uncertain significance for Leukoencephalopathy-thalamus and brainstem anomalies-high lactate syndrome. Last evaluated: 2025-08-25. Review status: criteria provided, single submitter. Criteria: ACMG Guidelines, 2015. Collection method: clinical testing. Allele origin: paternal. Affected: yes. Observed: 1 compound heterozygote.
Comment: PM2, PM3

Laboratorio de Genetica e Diagnostico Molecular, Hospital Israelita Albert Einstein
Classification: Uncertain significance for Leukoencephalopathy-thalamus and brainstem anomalies-high lactate syndrome. Last evaluated: 2024-12-20. Review status: criteria provided, single submitter. Criteria: ACMG Guidelines, 2015. Collection method: clinical testing. Allele origin: germline. Affected: yes.
Comment: ACMG classification criteria: PM2 supporting, PM3 moderate, BP4 supporting

Labcorp Genetics (formerly Invitae), Labcorp
Classification: Uncertain significance. Last evaluated: 2022-04-12. Review status: criteria provided, single submitter. Criteria: Invitae Variant Classification Sherloc (09022015). Collection method: clinical testing. Allele origin: germline.
Comment: This sequence change replaces isoleucine, which is neutral and non-polar, with phenylalanine, which is neutral and non-polar, at codon 62 of the EARS2 protein (p.Ile62Phe). This variant is present in population databases (no rsID available, gnomAD 0.007%). In summary, the available evidence is currently insufficient to determine the role of this variant in disease. Therefore, it has been classified as a Variant of Uncertain Significance. Algorithms developed to predict the effect of missense changes on protein structure and function are either unavailable or do not agree on the potential impact of this missense change (SIFT: "Deleterious"; PolyPhen-2: "Possibly Damaging"; Align-GVGD: "Class C0"). This missense change has been observed in individual(s) with combined oxidative phosphorylation deficiency (PMID: 27571996). In at least one individual the data is consistent with being in trans (on the opposite chromosome) from a pathogenic variant.

Literature cited by the submitters: PubMed 27571996 (cited by Labcorp Genetics (formerly Invitae), Labcorp).

NM_001083614.2(EARS2):c.184A>T (p.Ile62Phe)

Gene: EARS2 (glutamyl-tRNA synthetase 2, mitochondrial; minus strand). Cytogenetic location: 16p12.2.
Variant type: single nucleotide variant.
Coding change: c.184A>T on transcript NM_001083614.2 (MANE Select); coding-DNA position 184, A replaced by T.
Protein change: p.Ile62Phe; replaces isoleucine 62 with phenylalanine.
Molecular consequence: missense variant. On other transcripts: non-coding transcript variant (1).
Genome position (GRCh38, 1-based): chr16:23,552,260, T>A on the plus strand (A>T on the coding strand, the complement: EARS2 is on the minus strand). VCF-style: chr16-23552260-T-A. GRCh37 (hg19) VCF-style: chr16-23563581-T-A.
Other names: c.184A>T, p.Ile62Phe (NM_001308211.1, NM_133451.1); short protein forms I62F.
Identifiers: ClinVar variation 2137798 (VCV002137798.6), dbSNP rs1196541729, ClinGen allele CA395140951.